The following is an entry in ClinVar:

ClinVar aggregate classification (germline): Uncertain significance (1 of 4 stars; one submission).

gnomAD v4.1: 1 of 1,590,396 alleles (0.000063%); highest among the groups gnomAD compares: Non-Finnish European, 0.000086%; no homozygotes.

Submission:

Labcorp Genetics (formerly Invitae), Labcorp
Classification: Uncertain significance. Last evaluated: 2022-04-29. Review status: criteria provided, single submitter. Criteria: Invitae Variant Classification Sherloc (09022015). Collection method: clinical testing. Allele origin: germline.
Comment: This sequence change replaces alanine, which is neutral and non-polar, with threonine, which is neutral and polar, at codon 472 of the SNX14 protein (p.Ala472Thr). This variant is not present in population databases (gnomAD no frequency). This variant has not been reported in the literature in individuals affected with SNX14-related conditions. In summary, the available evidence is currently insufficient to determine the role of this variant in disease. Therefore, it has been classified as a Variant of Uncertain Significance. Algorithms developed to predict the effect of missense changes on protein structure and function are either unavailable or do not agree on the potential impact of this missense change (SIFT: "Deleterious"; PolyPhen-2: "Benign"; Align-GVGD: "Class C0").

NM_153816.6(SNX14):c.1414G>A (p.Ala472Thr)

Gene: SNX14 (sorting nexin 14; minus strand). Cytogenetic location: 6q14.3.
Variant type: single nucleotide variant.
Coding change: c.1414G>A on transcript NM_153816.6 (MANE Select); coding-DNA position 1414, G replaced by A.
Protein change: p.Ala472Thr; replaces alanine 472 with threonine.
Molecular consequence: missense variant. On other transcripts: non-coding transcript variant (6).
Genome position (GRCh38, 1-based): chr6:85,542,019, C>T on the plus strand (G>A on the coding strand, the complement: SNX14 is on the minus strand). VCF-style: chr6-85542019-C-T. GRCh37 (hg19) VCF-style: chr6-86251737-C-T.
Other names: c.1414G>A, p.Ala472Thr (NM_001297614.3, NM_001350540.2, NM_001350541.2); c.1258G>A, p.Ala420Thr (NM_001304479.2); c.1477G>A, p.Ala493Thr (NM_001350532.2); c.1411G>A, p.Ala471Thr (NM_001350533.2, NM_001350534.2, NM_001350535.2); c.1282G>A, p.Ala428Thr (NM_001350536.2, NM_020468.6); c.1279G>A, p.Ala427Thr (NM_001350537.2); c.1270G>A, p.Ala424Thr (NM_001350538.2); c.1255G>A, p.Ala419Thr (NM_001350539.2); and 6 more; short protein forms A324T, A372T, A419T, A420T, A376T, A424T, A471T, A122T.
Identifiers: ClinVar variation 2127772 (VCV002127772.4), dbSNP rs778761394, ClinGen allele CA364904986.